The following is an entry in ClinVar:

ClinVar aggregate classification (germline): Benign/Likely benign. Review status: criteria provided, multiple submitters, no conflicts (2 of 4 stars). 10 submissions from 10 submitters: Benign (8); Likely benign (2). Last evaluated 2026-03-27.

Conditions:
Familial thoracic aortic aneurysm and aortic dissection (TAAD). Also called: Thoracic aortic aneurysms and dissections. Identifiers: Orphanet 91387, MedGen C4707243, MONDO:0019625.
Arterial tortuosity syndrome (ATORS). Identifiers: Orphanet 3342, MedGen C1859726, MONDO:0008818, OMIM 208050.

Allele frequency attached by ClinVar (database versions not stated): gnomAD exomes 0.00119 and 0.00046; gnomAD 0.00474 and 0.00514; 1000 Genomes Project 0.00499; ESP Exome Variant Server 0.00600; TOPMed 0.00554; 1000 Genomes Project 30x 0.00578; ExAC 0.00169.
gnomAD v4.1: 1,446 of 1,614,098 alleles (0.09%); highest among the groups gnomAD compares: African/African-American, 1.7%; 12 homozygotes.

Submissions (10):

Molecular Diagnostic Laboratory for Inherited Cardiovascular Disease, Montreal Heart Institute
Classification: Benign. Last evaluated: 2026-03-27. Review status: criteria provided, single submitter. Criteria: ACMG Guidelines, 2015. Collection method: clinical testing. Allele origin: germline. Affected: no.
Comment: BS1;BP7

Labcorp Genetics (formerly Invitae), Labcorp
Classification: Benign for Arterial tortuosity syndrome. Last evaluated: 2026-02-01. Review status: criteria provided, single submitter. Criteria: Invitae Variant Classification Sherloc (09022015). Collection method: clinical testing. Allele origin: germline.

ARUP Laboratories, Molecular Genetics and Genomics, ARUP Laboratories
Classification: Benign for Arterial tortuosity syndrome. Last evaluated: 2025-07-02. Review status: criteria provided, single submitter. Criteria: ARUP Molecular Germline Variant Investigation Process 2024. Collection method: clinical testing. Allele origin: germline.

Women's Health and Genetics/Laboratory Corporation of America, LabCorp
Classification: Likely benign. Last evaluated: 2021-01-21. Review status: criteria provided, single submitter. Criteria: LabCorp Variant Classification Summary - May 2015. Collection method: clinical testing. Allele origin: germline.

Illumina Laboratory Services, Illumina
Classification: Benign for Arterial tortuosity syndrome. Last evaluated: 2018-01-13. Review status: criteria provided, single submitter. Criteria: ICSL Variant Classification Criteria 13 December 2019. Collection method: clinical testing. Allele origin: germline.
Comment: This variant was observed in the ICSL laboratory as part of a predisposition screen in an ostensibly healthy population. It had not been previously curated by ICSL or reported in the Human Gene Mutation Database (HGMD: prior to June 1st, 2018), and was therefore a candidate for classification through an automated scoring system. Utilizing variant allele frequency, disease prevalence and penetrance estimates, and inheritance mode, an automated score was calculated to assess if this variant is too frequent to cause the disease. Based on the score and internal cut-off values, a variant classified as benign is not then subjected to further curation. The score for this variant resulted in a classification of benign for this disease.

CHEO Genetics Diagnostic Laboratory, Children's Hospital of Eastern Ontario
Classification: Benign for Familial thoracic aortic aneurysm and aortic dissection. Last evaluated: 2016-06-28. Review status: criteria provided, single submitter. Criteria: ACMG Guidelines, 2015. Collection method: clinical testing. Allele origin: germline. Study: Canadian Open Genetics Repository.

Ambry Genetics
Classification: Benign for Familial thoracic aortic aneurysm and aortic dissection. Last evaluated: 2015-04-02. Review status: criteria provided, single submitter. Criteria: Ambry Variant Classification Scheme 2023. Collection method: clinical testing. Allele origin: germline.

GeneDx
Classification: Benign. Last evaluated: 2013-07-25. Review status: criteria provided, single submitter. Criteria: GeneDx Variant Classification (06012015). Collection method: clinical testing. Allele origin: germline. Affected: yes.
Comment: This variant is considered likely benign or benign based on one or more of the following criteria: it is a conservative change, it occurs at a poorly conserved position in the protein, it is predicted to be benign by multiple in silico algorithms, and/or has population frequency not consistent with disease.

Breakthrough Genomics
Classification: Likely benign. Review status: criteria provided, single submitter. Criteria: ACMG Guidelines, 2015. Collection method: not provided. Allele origin: germline. Inheritance: Autosomal recessive inheritance. Affected: yes.

PreventionGenetics, part of Exact Sciences
Classification: Benign. Review status: criteria provided, single submitter. Criteria: ACMG Guidelines, 2015. Collection method: clinical testing. Allele origin: germline.

NM_030777.4(SLC2A10):c.1617G>A (p.Ala539=)

Gene: SLC2A10 (solute carrier family 2 member 10; plus strand). Cytogenetic location: 20q13.12.
Variant type: single nucleotide variant.
Coding change: c.1617G>A on transcript NM_030777.4 (MANE Select); coding-DNA position 1617, G replaced by A.
Protein change: p.Ala539=; no amino-acid change (alanine 539 retained).
Molecular consequence: synonymous variant.
Genome position (GRCh38, 1-based): chr20:46,733,825, G>A. VCF-style: chr20-46733825-G-A. GRCh37 (hg19) VCF-style: chr20-45362464-G-A.
Other names: p.A539A:GCG>GCA.
Identifiers: ClinVar variation 139183 (VCV000139183.28), dbSNP rs114974138, ClinGen allele CA293565.